The following is an entry in ClinVar:

ClinVar aggregate classification (germline): Uncertain significance. Review status: criteria provided, multiple submitters, no conflicts (2 of 4 stars). 4 submissions from 4 submitters: Uncertain significance (4). Last evaluated 2025-10-01.

Conditions:
Hereditary cancer-predisposing syndrome. Also called: Hereditary Cancer Syndrome; Neoplastic Syndromes, Hereditary; Hereditary neoplastic syndrome; Tumor predisposition. Identifiers: Orphanet 140162, MedGen C0027672, MeSH D009386, MONDO:0015356.
POLD1-related polyposis and colorectal cancer syndrome (CRCS10). Also called: COLORECTAL CANCER, SUSCEPTIBILITY TO, ON CHROMOSOME 19q; Colorectal cancer 10; Colorectal cancer, susceptibility to, 10. Identifiers: Orphanet 220460, MedGen C2675481, MONDO:0012953, OMIM 612591.

Allele frequency attached by ClinVar (database versions not stated): TOPMed 0.00003; ESP Exome Variant Server 0.00008; 1000 Genomes Project 30x 0.00016; 1000 Genomes Project 0.00020.
gnomAD v4.1: 9 of 1,564,472 alleles (0.00058%); highest among the groups gnomAD compares: African/African-American, 0.012%; no homozygotes.

Submissions (4):

Labcorp Genetics (formerly Invitae), Labcorp
Classification: Uncertain significance for POLD1-related polyposis and colorectal cancer syndrome. Last evaluated: 2025-10-01. Review status: criteria provided, single submitter. Criteria: Invitae Variant Classification Sherloc (09022015). Collection method: clinical testing. Allele origin: germline.
Comment: This sequence change replaces arginine, which is basic and polar, with proline, which is neutral and non-polar, at codon 343 of the POLD1 protein (p.Arg343Pro). The frequency data for this variant in the population databases is considered unreliable, as metrics indicate poor data quality at this position in the gnomAD database. This variant has not been reported in the literature in individuals affected with POLD1-related conditions. ClinVar contains an entry for this variant (Variation ID: 239217). Invitae Evidence Modeling of protein sequence and biophysical properties (such as structural, functional, and spatial information, amino acid conservation, physicochemical variation, residue mobility, and thermodynamic stability) indicates that this missense variant is not expected to disrupt POLD1 protein function with a negative predictive value of 80%. In summary, the available evidence is currently insufficient to determine the role of this variant in disease. Therefore, it has been classified as a Variant of Uncertain Significance.

Ambry Genetics
Classification: Uncertain significance for Hereditary cancer-predisposing syndrome. Last evaluated: 2024-06-03. Review status: criteria provided, single submitter. Criteria: Ambry Variant Classification Scheme 2023. Collection method: clinical testing. Allele origin: germline.
Comment: The p.R343P variant (also known as c.1028G>C), located in coding exon 8 of the POLD1 gene, results from a G to C substitution at nucleotide position 1028. The arginine at codon 343 is replaced by proline, an amino acid with dissimilar properties. This amino acid position is highly conserved in available vertebrate species. In addition, the in silico prediction for this alteration is inconclusive. Based on the available evidence, the clinical significance of this variant remains unclear.

Baylor Genetics
Classification: Uncertain significance for POLD1-related polyposis and colorectal cancer syndrome. Last evaluated: 2024-03-06. Review status: criteria provided, single submitter. Criteria: ACMG Guidelines, 2015. Collection method: clinical testing. Allele origin: unknown.

GeneDx
Classification: Uncertain significance. Last evaluated: 2024-01-18. Review status: criteria provided, single submitter. Criteria: GeneDx Variant Classification Process June 2021. Collection method: clinical testing. Allele origin: germline. Affected: yes.
Comment: Not observed at significant frequency in large population cohorts (gnomAD); In silico analysis supports that this missense variant has a deleterious effect on protein structure/function; Has not been previously published as pathogenic or benign to our knowledge; This variant is associated with the following publications: (PMID: 20951805)

NM_002691.4(POLD1):c.1028G>C (p.Arg343Pro)

Gene: POLD1 (DNA polymerase delta 1, catalytic subunit; plus strand). Cytogenetic location: 19q13.33.
Variant type: single nucleotide variant.
Coding change: c.1028G>C on transcript NM_002691.4 (MANE Select); coding-DNA position 1028, G replaced by C.
Protein change: p.Arg343Pro; replaces arginine 343 with proline.
Molecular consequence: missense variant. On other transcripts: non-coding transcript variant (1).
Genome position (GRCh38, 1-based): chr19:50,403,110, G>C. VCF-style: chr19-50403110-G-C. GRCh37 (hg19) VCF-style: chr19-50906367-G-C.
Other names: c.1028G>C, p.Arg343Pro (NM_001256849.1, NM_001308632.1); short protein forms R343P.
Identifiers: ClinVar variation 239217 (VCV000239217.21), dbSNP rs140539427, ClinGen allele CA9596006.